The following is an entry in ClinVar:

NM_000179.3(MSH6):c.1125G>A (p.Glu375=)

Gene: MSH6 (mutS homolog 6; plus strand). Cytogenetic location: 2p16.3.
Variant type: single nucleotide variant.
Coding change: c.1125G>A on transcript NM_000179.3 (MANE Select); coding-DNA position 1125, G replaced by A.
Protein change: p.Glu375=; no amino-acid change (glutamic acid 375 retained).
Molecular consequence: synonymous variant.
Genome position (GRCh38, 1-based): chr2:47,799,108, G>A. VCF-style: chr2-47799108-G-A. GRCh37 (hg19) VCF-style: chr2-48026247-G-A.
Other names: c.735G>A, p.Glu245= (NM_001281492.2); c.219G>A, p.Glu73= (NM_001281493.2, NM_001281494.2).
Identifiers: ClinVar variation 416141 (VCV000416141.19), dbSNP rs1060504741, ClinGen allele CA16610878.
Genomic context (GRCh38, chr2:47,799,108, plus strand): 5'-TGGTGATGACAGTAGTCGCCCTACTGTTTGGTATCATGAAACTTTAGAATGGCTTAAGGA[G>A]GAAAAGAGAAGAGATGAGCACAGGAGGAGGCCTGATCACCCCGATTTTGATGCATCTACA-3'
Protein context (NP_000170.1, residues 365-385): WYHETLEWLK[Glu375=]EKRRDEHRRR

ClinVar aggregate classification (germline): Benign/Likely benign. Review status: criteria provided, multiple submitters, no conflicts (2 of 4 stars). 5 submissions from 5 submitters: Benign (1); Likely benign (4). Last evaluated 2024-12-23.

Conditions:
Hereditary nonpolyposis colorectal neoplasms. Identifiers: MedGen C0009405, MeSH D003123.
Lynch syndrome 5 (LYNCH5). Also called: Colorectal cancer, hereditary nonpolyposis, type 5; Hereditary non-polyposis colorectal cancer, type 5. Identifiers: Orphanet 144, MedGen C1833477, MONDO:0013710, OMIM 614350. Disease mechanism: loss of function.
Hereditary cancer-predisposing syndrome. Also called: Tumor predisposition; Neoplastic Syndromes, Hereditary; Hereditary neoplastic syndrome; Hereditary Cancer Syndrome. Identifiers: Orphanet 140162, MedGen C0027672, MeSH D009386, MONDO:0015356.
Lynch syndrome. Identifiers: Orphanet 144, MedGen C4552100, MONDO:0005835. Disease mechanism: loss of function.

Allele frequency attached by ClinVar (database versions not stated): gnomAD exomes below 0.00001.
gnomAD v4.1: 1 of 1,614,168 alleles (0.000062%); highest among the groups gnomAD compares: Non-Finnish European, 0.000085%; no homozygotes.

Submissions (5):

Myriad Genetics, Inc.
Classification: Benign for Lynch syndrome 5. Last evaluated: 2024-12-23. Review status: criteria provided, single submitter. Criteria: Myriad Autosomal Dominant, Autosomal Recessive and X-Linked Classification Criteria (2023). Collection method: clinical testing. Allele origin: unknown.
Comment: This variant is considered benign. This variant is a silent/synonymous amino acid change and it is not expected to impact splicing.

All of Us Research Program, National Institutes of Health
Classification: Likely benign for Lynch syndrome. Last evaluated: 2024-07-10. Review status: criteria provided, single submitter. Criteria: ACMG Guidelines, 2015. Collection method: clinical testing. Allele origin: germline. Inheritance: Autosomal dominant inheritance. Observed: 1 variant allele, 1 heterozygote.
Comment: This study involves interpretation of variants in research participants for the purpose of population health screening. Participant phenotype was not available at the time of variant classification. Additional details can be found in publication PMID: 35346344, PMCID: PMC8962531

Color Diagnostics, LLC DBA Color Health
Classification: Likely benign for Hereditary cancer-predisposing syndrome. Last evaluated: 2024-06-11. Review status: criteria provided, single submitter. Criteria: ACMG Guidelines, 2015. Collection method: clinical testing. Allele origin: germline.

Labcorp Genetics (formerly Invitae), Labcorp
Classification: Likely benign for Hereditary nonpolyposis colorectal neoplasms. Last evaluated: 2021-04-08. Review status: criteria provided, single submitter. Criteria: Invitae Variant Classification Sherloc (09022015). Collection method: clinical testing. Allele origin: germline.

Ambry Genetics
Classification: Likely benign for Hereditary cancer-predisposing syndrome. Last evaluated: 2015-11-06. Review status: criteria provided, single submitter. Criteria: Ambry Variant Classification Scheme 2023. Collection method: clinical testing. Allele origin: germline.